The following is an entry in ClinVar:

ClinVar aggregate classification (germline): Benign/Likely benign. Review status: criteria provided, multiple submitters, no conflicts (2 of 4 stars). 4 submissions from 4 submitters: Benign (2); Likely benign (1). 1 of the submissions does not count toward it. Last evaluated 2026-01-28.

Conditions:
DMXL2-related disorder. Also called: DMXL2-related condition.

Allele frequency attached by ClinVar (database versions not stated): ExAC 0.00023; 1000 Genomes Project 0.00040; ESP Exome Variant Server 0.00077; 1000 Genomes Project 30x 0.00078; gnomAD 0.00097.
gnomAD v4.1: 246 of 1,614,096 alleles (0.015%); highest among the groups gnomAD compares: African/African-American, 0.31%; 3 homozygotes.

Submissions (4):

Labcorp Genetics (formerly Invitae), Labcorp
Classification: Benign. Last evaluated: 2026-01-28. Review status: criteria provided, single submitter. Criteria: Invitae Variant Classification Sherloc (09022015). Collection method: clinical testing. Allele origin: germline.

Blueprint Genetics
Classification: Likely benign. Last evaluated: 2022-06-07. Review status: criteria provided, single submitter. Criteria: ACMG Guidelines, 2015. Collection method: clinical testing. Allele origin: germline.

Breakthrough Genomics
Classification: Benign. Review status: criteria provided, single submitter. Criteria: ACMG Guidelines, 2015. Collection method: not provided. Allele origin: germline. Inheritance: Autosomal recessive inheritance. Affected: yes.

PreventionGenetics, part of Exact Sciences
Classification: Likely benign for DMXL2-related condition. Last evaluated: 2019-06-10. Review status: no assertion criteria provided. Collection method: clinical testing. Allele origin: germline. Not counted in ClinVar's aggregate classification.
Comment: This variant is classified as likely benign based on ACMG/AMP sequence variant interpretation guidelines (Richards et al. 2015 PMID: 25741868, with internal and published modifications).

NM_001378457.1(DMXL2):c.5769G>A (p.Gln1923=)

Gene: DMXL2 (Dmx like 2; minus strand). Cytogenetic location: 15q21.2.
Variant type: single nucleotide variant.
Coding change: c.5769G>A on transcript NM_001378457.1 (MANE Select); coding-DNA position 5769, G replaced by A.
Protein change: p.Gln1923=; no amino-acid change (glutamine 1923 retained).
Molecular consequence: synonymous variant. On other transcripts: non-coding transcript variant (2).
Genome position (GRCh38, 1-based): chr15:51,481,337, C>T on the plus strand (G>A on the coding strand, the complement: DMXL2 is on the minus strand). VCF-style: chr15-51481337-C-T. GRCh37 (hg19) VCF-style: chr15-51773534-C-T.
Other names: c.5769G>A, p.Gln1923= (NM_001174116.3, NM_001378458.1, NM_001378459.1 and 4 more transcripts); c.3861G>A, p.Gln1287= (NM_001174117.3); c.3750G>A, p.Gln1250= (NM_001378460.1); c.5529G>A, p.Gln1843= (NM_001378464.1); c.5769G>A (NM_001174116.1).
Identifiers: ClinVar variation 1592117 (VCV001592117.12), dbSNP rs139727538, ClinGen allele CA7561749.